The following is an entry in ClinVar:

ClinVar aggregate classification (germline): Uncertain significance (1 of 4 stars; one submission).

Conditions:
Developmental and epileptic encephalopathy, 37 (DEE37). Also called: Epileptic encephalopathy, early infantile, 37. Identifiers: MedGen C4310770, MONDO:0014859, OMIM 616981.

gnomAD v4.1: 1 of 1,265,418 alleles (0.000079%); highest among the groups gnomAD compares: South Asian, 0.0018%; no homozygotes.

Submission:

Labcorp Genetics (formerly Invitae), Labcorp
Classification: Uncertain significance for Developmental and epileptic encephalopathy, 37. Last evaluated: 2021-09-25. Review status: criteria provided, single submitter. Criteria: Invitae Variant Classification Sherloc (09022015). Collection method: clinical testing. Allele origin: germline.
Comment: In summary, the available evidence is currently insufficient to determine the role of this variant in disease. Therefore, it has been classified as a Variant of Uncertain Significance. Algorithms developed to predict the effect of missense changes on protein structure and function are either unavailable or do not agree on the potential impact of this missense change (SIFT: "Deleterious"; PolyPhen-2: "Benign"; Align-GVGD: "Class C0"). This variant has not been reported in the literature in individuals affected with FRRS1L-related conditions. The frequency data for this variant in the population databases is considered unreliable, as metrics indicate insufficient coverage at this position in the ExAC database. This sequence change replaces glutamic acid with glycine at codon 120 of the FRRS1L protein (p.Glu120Gly). The glutamic acid residue is moderately conserved and there is a moderate physicochemical difference between glutamic acid and glycine.

NM_014334.4(FRRS1L):c.206A>G (p.Glu69Gly)

Gene: FRRS1L (ferric chelate reductase 1 like; minus strand). Cytogenetic location: 9q31.3.
Variant type: single nucleotide variant.
Coding change: c.206A>G on transcript NM_014334.4 (MANE Select); coding-DNA position 206, A replaced by G.
Protein change: p.Glu69Gly; replaces glutamic acid 69 with glycine.
Molecular consequence: missense variant.
Genome position (GRCh38, 1-based): chr9:109,166,933, T>C on the plus strand (A>G on the coding strand, the complement: FRRS1L is on the minus strand). VCF-style: chr9-109166933-T-C. GRCh37 (hg19) VCF-style: chr9-111929213-T-C.
Other names: short protein forms E69G.
Identifiers: ClinVar variation 1383086 (VCV001383086.6), dbSNP rs2118522809, ClinGen allele CA374430284.